The following is an entry in ClinVar:

NM_001848.3(COL6A1):c.2165G>A (p.Arg722His)

Gene: COL6A1 (collagen type VI alpha 1 chain; plus strand). Cytogenetic location: 21q22.3.
Variant type: single nucleotide variant.
Coding change: c.2165G>A on transcript NM_001848.3 (MANE Select); coding-DNA position 2165, G replaced by A.
Protein change: p.Arg722His; replaces arginine 722 with histidine.
Molecular consequence: missense variant.
Genome position (GRCh38, 1-based): chr21:46,002,316, G>A. VCF-style: chr21-46002316-G-A. GRCh37 (hg19) VCF-style: chr21-47422230-G-A.
Other names: short protein forms R722H.
Identifiers: ClinVar variation 285956 (VCV000285956.29), dbSNP rs758242849, ClinGen allele CA10070785.

ClinVar aggregate classification (germline): Conflicting classifications of pathogenicity. Review status: criteria provided, conflicting classifications (1 of 4 stars). 5 submissions from 5 submitters: Uncertain significance (4); Benign (1). Last evaluated 2026-08-01.

Conditions:
Bethlem myopathy 1A. Also called: Bethlem Muscular Dystrophy; MYOPATHY, BENIGN CONGENITAL, WITH CONTRACTURES; Bethlem myopathy 1. Identifiers: Orphanet 610, MedGen CN029274, MONDO:0024530, OMIM 158810.

Allele frequency attached by ClinVar (database versions not stated): gnomAD 0.00006; gnomAD exomes 0.00006; TOPMed 0.00006; ExAC 0.00010.
gnomAD v4.1: 75 of 1,592,064 alleles (0.0047%); highest among the groups gnomAD compares: Admixed American, 0.023%; no homozygotes.

Submissions (5):

CeGaT Center for Human Genetics Tuebingen
Classification: Uncertain significance. Last evaluated: 2026-08-01. Review status: criteria provided, single submitter. Criteria: CeGaT Center For Human Genetics Tuebingen Variant Classification Criteria Version 2. Collection method: clinical testing. Allele origin: germline. Affected: yes. Observed: 1 variant allele.

GeneDx
Classification: Uncertain significance. Last evaluated: 2025-07-23. Review status: criteria provided, single submitter. Criteria: GeneDx Variant Classification Process June 2021. Collection method: clinical testing. Allele origin: germline. Affected: yes.
Comment: Reported in the heterozygous state in a patient with LGMD1A (PMID: 30564623); In silico analysis supports that this missense variant has a deleterious effect on protein structure/function; This variant is associated with the following publications: (PMID: 30564623)

Labcorp Genetics (formerly Invitae), Labcorp
Classification: Benign for Bethlem myopathy 1A. Last evaluated: 2025-06-10. Review status: criteria provided, single submitter. Criteria: Invitae Variant Classification Sherloc (09022015). Collection method: clinical testing. Allele origin: germline.

Revvity Omics, Revvity
Classification: Uncertain significance. Last evaluated: 2019-05-14. Review status: criteria provided, single submitter. Criteria: ACMG Guidelines, 2015. Collection method: clinical testing. Allele origin: germline.

Eurofins Ntd Llc (ga)
Classification: Uncertain significance. Last evaluated: 2016-02-02. Review status: criteria provided, single submitter. Criteria: EGL Classification Definitions 2015. Collection method: clinical testing. Allele origin: germline. Observed: 2 variant alleles, 2 heterozygotes.